The following is an entry in ClinVar:

NM_000051.4(ATM):c.3388G>A (p.Gly1130Arg)

Gene: ATM (ATM serine/threonine kinase; plus strand). Cytogenetic location: 11q22.3.
Variant type: single nucleotide variant.
Coding change: c.3388G>A on transcript NM_000051.4 (MANE Select); coding-DNA position 3388, G replaced by A.
Protein change: p.Gly1130Arg; replaces glycine 1130 with arginine.
Molecular consequence: missense variant.
Genome position (GRCh38, 1-based): chr11:108,279,594, G>A. VCF-style: chr11-108279594-G-A. GRCh37 (hg19) VCF-style: chr11-108150321-G-A.
Other names: c.3388G>A, p.Gly1130Arg (NM_001351834.2); short protein forms G1130R.
Identifiers: ClinVar variation 565759 (VCV000565759.19), dbSNP rs587781911, ClinGen allele CA382517801.

ClinVar aggregate classification (germline): Uncertain significance. Review status: criteria provided, multiple submitters, no conflicts (2 of 4 stars). 5 submissions from 5 submitters: Uncertain significance (4). 1 of the submissions does not count toward it. Last evaluated 2025-03-17.

Conditions:
Hereditary cancer-predisposing syndrome. Also called: Neoplastic Syndromes, Hereditary; Tumor predisposition; Hereditary Cancer Syndrome; Hereditary neoplastic syndrome. Identifiers: Orphanet 140162, MedGen C0027672, MeSH D009386, MONDO:0015356.
Ataxia-telangiectasia syndrome (AT). Also called: Ataxia telangiectasia (A-T); Ataxia-telangiectasia, complementation group D; AT, COMPLEMENTATION GROUP C; ATAXIA-TELANGIECTASIA, COMPLEMENTATION GROUP A; Ataxia-telangiectasia, complementation group E; ATAXIA-TELANGIECTASIA, FRESNO VARIANT. Identifiers: Orphanet 100, MedGen C0004135, MONDO:0008840, OMIM 208900.

Allele frequency attached by ClinVar (database versions not stated): gnomAD exomes below 0.00001; TOPMed below 0.00001; gnomAD 0.00001.
gnomAD v4.1: 2 of 1,609,380 alleles (0.00012%); highest among the groups gnomAD compares: Non-Finnish European, 0.00017%; no homozygotes.

Submissions (5):

Color Diagnostics, LLC DBA Color Health
Classification: Uncertain significance for Hereditary cancer-predisposing syndrome. Last evaluated: 2025-03-17. Review status: criteria provided, single submitter. Criteria: ACMG Guidelines, 2015. Collection method: clinical testing. Allele origin: germline.
Comment: This missense variant replaces glycine with arginine at codon 1130 of the ATM protein. Computational prediction suggests that this variant may not impact protein structure and function. To our knowledge, functional studies have not been reported for this variant. This variant has not been reported in individuals affected with ATM-related disorders in the literature. This variant has not been identified in the general population by the Genome Aggregation Database (gnomAD). The available evidence is insufficient to determine the role of this variant in disease conclusively. Therefore, this variant is classified as a Variant of Uncertain Significance.

Ambry Genetics
Classification: Uncertain significance for Hereditary cancer-predisposing syndrome. Last evaluated: 2025-03-10. Review status: criteria provided, single submitter. Criteria: Ambry Variant Classification Scheme 2023. Collection method: clinical testing. Allele origin: germline.
Comment: The p.G1130R variant (also known as c.3388G>A), located in coding exon 22 of the ATM gene, results from a G to A substitution at nucleotide position 3388. The glycine at codon 1130 is replaced by arginine, an amino acid with dissimilar properties. This amino acid position is highly conserved in available vertebrate species. In addition, this alteration is predicted to be deleterious by in silico analysis. Based on the available evidence, the clinical significance of this variant remains unclear.

Labcorp Genetics (formerly Invitae), Labcorp
Classification: Uncertain significance for Ataxia-telangiectasia syndrome. Last evaluated: 2022-03-08. Review status: criteria provided, single submitter. Criteria: Invitae Variant Classification Sherloc (09022015). Collection method: clinical testing. Allele origin: germline.
Comment: In summary, the available evidence is currently insufficient to determine the role of this variant in disease. Therefore, it has been classified as a Variant of Uncertain Significance. Advanced modeling of protein sequence and biophysical properties (such as structural, functional, and spatial information, amino acid conservation, physicochemical variation, residue mobility, and thermodynamic stability) performed at Invitae indicates that this missense variant is not expected to disrupt ATM protein function. ClinVar contains an entry for this variant (Variation ID: 565759). This variant has not been reported in the literature in individuals affected with ATM-related conditions. This variant is not present in population databases (gnomAD no frequency). This sequence change replaces glycine, which is neutral and non-polar, with arginine, which is basic and polar, at codon 1130 of the ATM protein (p.Gly1130Arg).

Women's Health and Genetics/Laboratory Corporation of America, LabCorp
Classification: Uncertain significance. Last evaluated: 2018-06-04. Review status: criteria provided, single submitter. Criteria: LabCorp Variant Classification Summary - May 2015. Collection method: clinical testing. Allele origin: germline.
Comment: Variant summary: ATM c.3388G>A (p.Gly1130Arg) results in a non-conservative amino acid change in the encoded protein sequence. Three of five in-silico tools predict a benign effect of the variant on protein function. The variant was absent in 276616 control chromosomes. The available data on variant occurrences in the general population are insufficient to allow any conclusion about variant significance. To our knowledge, no occurrence of c.3388G>A in individuals affected with Breast Cancer and no experimental evidence demonstrating its impact on protein function have been reported. No clinical diagnostic laboratories have submitted clinical-significance assessments for this variant to ClinVar after 2014. Based on the evidence outlined above, the variant was classified as uncertain significance.

Natera, Inc.
Classification: Uncertain significance for Ataxia-telangiectasia. Last evaluated: 2025-01-08. Review status: no assertion criteria provided. Collection method: clinical testing. Allele origin: germline. Not counted in ClinVar's aggregate classification.